The following is an entry in ClinVar:

ClinVar aggregate classification (germline): Conflicting classifications of pathogenicity. Review status: criteria provided, conflicting classifications (1 of 4 stars). 6 submissions from 6 submitters: Uncertain significance (4); Likely benign (2). Last evaluated 2026-02-01.

Conditions:
Familial thoracic aortic aneurysm and aortic dissection (TAAD). Also called: Thoracic aortic aneurysms and dissections. Identifiers: Orphanet 91387, MedGen C4707243, MONDO:0019625.
Ehlers-Danlos syndrome, classic type, 1 (EDSCL1). Also called: Ehlers-Danlos Syndrome, Classic Type, COL5A1-Related; EDS I; Ehlers-Danlos syndrome, type 1; EHLERS-DANLOS SYNDROME, GRAVIS TYPE; EHLERS-DANLOS SYNDROME, SEVERE CLASSIC TYPE. Identifiers: MedGen C0268335, MONDO:0019567, OMIM 130000.

Allele frequency attached by ClinVar (database versions not stated): gnomAD exomes 0.00006 and 0.00012; TOPMed 0.00006; gnomAD 0.00009.

Submissions (6):

CeGaT Center for Human Genetics Tuebingen
Classification: Uncertain significance. Last evaluated: 2026-02-01. Review status: criteria provided, single submitter. Criteria: CeGaT Center For Human Genetics Tuebingen Variant Classification Criteria Version 2. Collection method: clinical testing. Allele origin: germline. Affected: yes. Observed: 1 variant allele.
Comment: COL5A2: PP2

Labcorp Genetics (formerly Invitae), Labcorp
Classification: Likely benign for Ehlers-Danlos syndrome, classic type, 1. Last evaluated: 2025-12-26. Review status: criteria provided, single submitter. Criteria: Invitae Variant Classification Sherloc (09022015). Collection method: clinical testing. Allele origin: germline.

Women's Health and Genetics/Laboratory Corporation of America, LabCorp
Classification: Likely benign. Last evaluated: 2025-11-25. Review status: criteria provided, single submitter. Criteria: LabCorp Variant Classification Summary - May 2015. Collection method: clinical testing. Allele origin: germline.
Comment: Variant summary: COL5A2 c.3017T>A (p.Met1006Lys) results in a non-conservative amino acid change in the encoded protein sequence. Algorithms developed to predict the effect of missense changes on protein structure and function all suggest that this variant is likely to be disruptive. The variant allele was found at a frequency of 0.00012 in 1399528 control chromosomes. The observed variant frequency exceeds the estimated maximal expected allele frequency for disease-causing variants in COL5A2. To our knowledge, no occurrence of c.3017T>A in individuals affected with COL5A2-related conditions and no experimental evidence demonstrating its impact on protein function have been reported. ClinVar contains an entry for this variant (Variation ID: 529243). Based on the evidence outlined above, the variant was classified as likely benign.

Mayo Clinic Laboratories, Mayo Clinic
Classification: Uncertain significance. Last evaluated: 2025-09-17. Review status: criteria provided, single submitter. Criteria: ACMG Guidelines, 2015. Collection method: clinical testing. Allele origin: germline. Observed: 1 variant allele.
Comment: BS1, PP3

Ambry Genetics
Classification: Uncertain significance for Familial thoracic aortic aneurysm and aortic dissection. Last evaluated: 2024-06-18. Review status: criteria provided, single submitter. Criteria: Ambry Variant Classification Scheme 2023. Collection method: clinical testing. Allele origin: germline.
Comment: The p.M1006K variant (also known as c.3017T>A), located in coding exon 43 of the COL5A2 gene, results from a T to A substitution at nucleotide position 3017. The methionine at codon 1006 is replaced by lysine, an amino acid with similar properties. This amino acid position is well conserved in available vertebrate species. In addition, this alteration is predicted to be deleterious by in silico analysis. Since supporting evidence is limited at this time, the clinical significance of this alteration remains unclear.

GeneDx
Classification: Uncertain significance. Last evaluated: 2023-08-17. Review status: criteria provided, single submitter. Criteria: GeneDx Variant Classification Process June 2021. Collection method: clinical testing. Allele origin: germline. Affected: yes.
Comment: Has not been previously published as pathogenic or benign to our knowledge; In silico analysis supports that this missense variant has a deleterious effect on protein structure/function

NM_000393.5(COL5A2):c.3017T>A (p.Met1006Lys)

Gene: COL5A2 (collagen type V alpha 2 chain; minus strand). Cytogenetic location: 2q32.2.
Variant type: single nucleotide variant.
Coding change: c.3017T>A on transcript NM_000393.5 (MANE Select); coding-DNA position 3017, T replaced by A.
Protein change: p.Met1006Lys; replaces methionine 1006 with lysine.
Molecular consequence: missense variant.
Genome position (GRCh38, 1-based): chr2:189,050,591, A>T on the plus strand (T>A on the coding strand, the complement: COL5A2 is on the minus strand). VCF-style: chr2-189050591-A-T. GRCh37 (hg19) VCF-style: chr2-189915317-A-T.
Other names: p.Met1006Lys; short protein forms M1006K.
Identifiers: ClinVar variation 529243 (VCV000529243.25), dbSNP rs930378570, ClinGen allele CA62595025.